The following is an entry in ClinVar:

NM_003190.5(TAPBP):c.532C>A (p.Leu178Met)

Gene: TAPBP (TAP binding protein; minus strand). Cytogenetic location: 6p21.32.
Variant type: single nucleotide variant.
Coding change: c.532C>A on transcript NM_003190.5 (MANE Select); coding-DNA position 532, C replaced by A.
Protein change: p.Leu178Met; replaces leucine 178 with methionine.
Molecular consequence: missense variant.
Genome position (GRCh38, 1-based): chr6:33,305,325, G>T on the plus strand (C>A on the coding strand, the complement: TAPBP is on the minus strand). VCF-style: chr6-33305325-G-T. GRCh37 (hg19) VCF-style: chr6-33273102-G-T.
Other names: c.532C>A, p.Leu178Met (NM_172208.3); c.271C>A, p.Leu91Met (NM_172209.3); short protein forms L178M, L91M.
Identifiers: ClinVar variation 1348406 (VCV001348406.8), dbSNP rs2150962294, ClinGen allele CA363691988.

ClinVar aggregate classification (germline): Uncertain significance (1 of 4 stars; one submission).

Conditions:
MHC class I deficiency. Identifiers: Orphanet 34592, MedGen C6024714, MONDO:0011476.

Submission:

Labcorp Genetics (formerly Invitae), Labcorp
Classification: Uncertain significance for MHC class I deficiency 1. Last evaluated: 2021-04-24. Review status: criteria provided, single submitter. Criteria: Invitae Variant Classification Sherloc (09022015). Collection method: clinical testing. Allele origin: germline.
Comment: This sequence change replaces leucine with methionine at codon 178 of the TAPBP protein (p.Leu178Met). The leucine residue is highly conserved and there is a small physicochemical difference between leucine and methionine. This variant is not present in population databases (ExAC no frequency). In summary, the available evidence is currently insufficient to determine the role of this variant in disease. Therefore, it has been classified as a Variant of Uncertain Significance. Algorithms developed to predict the effect of missense changes on protein structure and function are either unavailable or do not agree on the potential impact of this missense change (SIFT: "Deleterious"; PolyPhen-2: "Possibly Damaging"; Align-GVGD: "Class C0"). This variant has not been reported in the literature in individuals with TAPBP-related conditions.